The following is an entry in ClinVar:

NM_000156.6(GAMT):c.391+160A>T

Gene: GAMT (guanidinoacetate N-methyltransferase; minus strand). Cytogenetic location: 19p13.3.
Variant type: single nucleotide variant.
Coding change: c.391+160A>T on transcript NM_000156.6 (MANE Select); 160 bases into the intron after coding-DNA position 391, A replaced by T.
Molecular consequence: intron variant.
Genome position (GRCh38, 1-based): chr19:1,399,364, T>A on the plus strand (A>T on the coding strand, the complement: GAMT is on the minus strand). VCF-style: chr19-1399364-T-A. GRCh37 (hg19) VCF-style: chr19-1399363-T-A.
Other names: c.391+160A>T (NM_138924.3).
Identifiers: ClinVar variation 677647 (VCV000677647.1), dbSNP rs139823916, ClinGen allele CA304066245.

ClinVar aggregate classification (germline): Likely benign (1 of 4 stars; one submission).

Allele frequency attached by ClinVar (database versions not stated): gnomAD 0.00317 and 0.00339; TOPMed 0.00375; 1000 Genomes Project 30x 0.00453; 1000 Genomes Project 0.00459.

Submission:

GeneDx
Classification: Likely benign. Last evaluated: 2018-06-14. Review status: criteria provided, single submitter. Criteria: GeneDx Variant Classification (06012015). Collection method: clinical testing. Allele origin: germline. Affected: yes.
Comment: This variant is considered likely benign or benign based on one or more of the following criteria: it is a conservative change, it occurs at a poorly conserved position in the protein, it is predicted to be benign by multiple in silico algorithms, and/or has population frequency not consistent with disease.